The following is an entry in ClinVar:

NM_001103.4(ACTN2):c.1907A>G (p.Glu636Gly)

Gene: ACTN2 (actinin alpha 2; plus strand). Cytogenetic location: 1q43.
Variant type: single nucleotide variant.
Coding change: c.1907A>G on transcript NM_001103.4 (MANE Select); coding-DNA position 1907, A replaced by G.
Protein change: p.Glu636Gly; replaces glutamic acid 636 with glycine.
Molecular consequence: missense variant.
Genome position (GRCh38, 1-based): chr1:236,754,014, A>G. VCF-style: chr1-236754014-A-G. GRCh37 (hg19) VCF-style: chr1-236917314-A-G.
Other names: c.1907A>G, p.Glu636Gly (NM_001278343.2); c.1283A>G, p.Glu428Gly (NM_001278344.2); c.1283A>G (NM_001278344.1); short protein forms E636G, E428G.
Identifiers: ClinVar variation 854205 (VCV000854205.11), dbSNP rs1010571438, ClinGen allele CA39740659.
Genomic context (GRCh38, chr1:236,754,014, plus strand): 5'-AACTCGTGCCCATCCGCGATCAATCCCTGCAGGAGGAGCTGGCTCGCCAGCATGCTAACG[A>G]GCGTCTGAGGCGCCAGTTTGCTGCCCAAGCCAATGCCATTGGGCCCTGGATCCAGAACAA-3'
Protein context (NP_001094.1, residues 626-646): QEELARQHAN[Glu636Gly]RLRRQFAAQA

ClinVar aggregate classification (germline): Uncertain significance. Review status: criteria provided, multiple submitters, no conflicts (2 of 4 stars). 4 submissions from 4 submitters: Uncertain significance (4). Last evaluated 2025-10-02.

Conditions:
Dilated cardiomyopathy 1AA (CMD1AA). Also called: CARDIOMYOPATHY, DILATED, 1AA, WITH OR WITHOUT LEFT VENTRICULAR NONCOMPACTION; CARDIOMYOPATHY, FAMILIAL HYPERTROPHIC, 23, WITH OR WITHOUT LEFT VENTRICULAR NONCOMPACTION; Cardiomyopathy, dilated, 1AA, with or without LVNC. Identifiers: Orphanet 154, MedGen C2677338, MONDO:0012808, OMIM 612158.
Myopathy, congenital, with structured cores and z-line abnormalities. Also called: CONGENITAL MYOPATHY 8; MULTIPLE STRUCTURED CORE DISEASE. Identifiers: MedGen C5231445, MONDO:0032852, OMIM 618654.
Myopathy, distal, 6, adult-onset, autosomal dominant. Identifiers: MedGen C5203349, MONDO:0032853, OMIM 618655.
Cardiovascular phenotype. Identifiers: MedGen CN230736.
Primary familial hypertrophic cardiomyopathy (HCM). Identifiers: Orphanet 99739, MedGen C0949658, MeSH D024741, MONDO:0024573. Inheritance: Various modes of inheritance.

Allele frequency attached by ClinVar (database versions not stated): gnomAD exomes 0.00004.
gnomAD v4.1: 56 of 1,614,110 alleles (0.0035%); highest among the groups gnomAD compares: Non-Finnish European, 0.0047%; no homozygotes.

Submissions (4):

Ambry Genetics
Classification: Uncertain significance for Cardiovascular phenotype. Last evaluated: 2025-10-02. Review status: criteria provided, single submitter. Criteria: Ambry Variant Classification Scheme 2023. Collection method: clinical testing. Allele origin: germline.
Comment: The p.E636G variant (also known as c.1907A>G), located in coding exon 16 of the ACTN2 gene, results from an A to G substitution at nucleotide position 1907. The glutamic acid at codon 636 is replaced by glycine, an amino acid with similar properties. This variant was reported in individual(s) with features consistent with dilated cardiomyopathy (DCM) (Verdonschot JAJ et al. Circ Genom Precis Med, 2020 Oct;13:476-487). This amino acid position is highly conserved in available vertebrate species. In addition, this alteration is predicted to be deleterious by in silico analysis. Based on the available evidence, the clinical significance of this variant remains unclear.

Labcorp Genetics (formerly Invitae), Labcorp
Classification: Uncertain significance for Primary familial hypertrophic cardiomyopathy; Dilated cardiomyopathy 1AA. Last evaluated: 2024-01-02. Review status: criteria provided, single submitter. Criteria: Invitae Variant Classification Sherloc (09022015). Collection method: clinical testing. Allele origin: germline.
Comment: This sequence change replaces glutamic acid, which is acidic and polar, with glycine, which is neutral and non-polar, at codon 636 of the ACTN2 protein (p.Glu636Gly). This variant is not present in population databases (gnomAD no frequency). This missense change has been observed in individuals with dilated cardiomyopathy and/or hypertrophic cardiomyopathy (PMID: 32880476; Invitae). ClinVar contains an entry for this variant (Variation ID: 854205). An algorithm developed to predict the effect of missense changes on protein structure and function (PolyPhen-2) suggests that this variant is likely to be disruptive. In summary, the available evidence is currently insufficient to determine the role of this variant in disease. Therefore, it has been classified as a Variant of Uncertain Significance.

GeneDx
Classification: Uncertain significance. Last evaluated: 2022-05-18. Review status: criteria provided, single submitter. Criteria: GeneDx Variant Classification Process June 2021. Collection method: clinical testing. Allele origin: germline. Affected: yes.
Comment: Reported in a patient with DCM (Verdonschot et al., 2020); Not observed at significant frequency in large population cohorts (gnomAD); In silico analysis supports that this missense variant has a deleterious effect on protein structure/function; This variant is associated with the following publications: (PMID: 32880476)

Fulgent Genetics
Classification: Uncertain significance for Dilated cardiomyopathy 1AA; Myopathy, congenital, with structured cores and z-line abnormalities; Myopathy, distal, 6, adult-onset, autosomal dominant. Last evaluated: 2021-11-01. Review status: criteria provided, single submitter. Criteria: ACMG Guidelines, 2015. Collection method: clinical testing. Allele origin: unknown.

Literature cited by the submitters: PubMed 32880476 (cited by Ambry Genetics and Labcorp Genetics (formerly Invitae), Labcorp).